The following is an entry in ClinVar:

NM_001267550.2(TTN):c.93402G>A (p.Trp31134Ter)

Genes: TTN-AS1 (TTN antisense RNA 1; plus strand), TTN (titin; minus strand). Cytogenetic location: 2q31.2.
Variant type: single nucleotide variant.
Coding change: c.93402G>A on transcript NM_001267550.2 (MANE Select); coding-DNA position 93402, G replaced by A.
Protein change: p.Trp31134Ter; replaces tryptophan 31134 with a stop codon.
Molecular consequence: nonsense.
Genome position (GRCh38, 1-based): chr2:178,548,224, C>T on the plus strand (G>A on the coding strand, the complement: TTN is on the minus strand). VCF-style: chr2-178548224-C-T. GRCh37 (hg19) VCF-style: chr2-179412951-C-T.
Other names: c.88479G>A, p.Trp29493Ter (NM_001256850.1); c.66207G>A, p.Trp22069Ter (NM_003319.4); c.85698G>A, p.Trp28566Ter (NM_133378.4); c.66582G>A, p.Trp22194Ter (NM_133432.3); c.66783G>A, p.Trp22261Ter (NM_133437.4); short protein forms W22069*, W22194*, W22261*, W28566*, W29493*, W31134*.
Identifiers: ClinVar variation 3753237 (VCV003753237.2).

ClinVar aggregate classification (germline): Likely pathogenic (1 of 4 stars; one submission).

Conditions:
Autosomal recessive limb-girdle muscular dystrophy type 2J (LGMDR10). Also called: Limb-girdle muscular dystrophy, type 2J; MUSCULAR DYSTROPHY, LIMB-GIRDLE, AUTOSOMAL RECESSIVE 10. Identifiers: Orphanet 140922, MedGen C1837342, MONDO:0012127, OMIM 608807.
Dilated cardiomyopathy 1G (CMD1G). Identifiers: Orphanet 154, MedGen C1858763, MONDO:0011400, OMIM 604145.

Submission:

Labcorp Genetics (formerly Invitae), Labcorp
Classification: Likely pathogenic for Dilated cardiomyopathy 1G; Autosomal recessive limb-girdle muscular dystrophy type 2J. Last evaluated: 2024-09-15. Review status: criteria provided, single submitter. Criteria: Invitae Variant Classification Sherloc (09022015). Collection method: clinical testing. Allele origin: germline.
Comment: This sequence change creates a premature translational stop signal (p.Trp31134*) in the TTN gene. While this is not anticipated to result in nonsense mediated decay, it is expected to create a truncated TTN protein. This variant is not present in population databases (gnomAD no frequency). This variant has not been reported in the literature in individuals affected with TTN-related conditions. This variant is located in the A band of TTN (PMID: 25589632). Truncating variants in this region are significantly overrepresented in patients affected with dilated cardiomyopathy (PMID: 25589632). Truncating variants in this region have also been reported in individuals affected with autosomal recessive centronuclear myopathy (PMID: 23975875). In summary, the currently available evidence indicates that the variant is pathogenic, but additional data are needed to prove that conclusively. Therefore, this variant has been classified as Likely Pathogenic.

Literature cited by the submitters: PubMed 25589632; PubMed 23975875.